The following is an entry in ClinVar:

NM_001430.5(EPAS1):c.683C>G (p.Pro228Arg)

Genes: EPAS1 (endothelial PAS domain protein 1; plus strand), LOC126806210 (BRD4-independent group 4 enhancer GRCh37_chr2:46587586-46588785; plus strand). Cytogenetic location: 2p21.
Variant type: single nucleotide variant.
Coding change: c.683C>G on transcript NM_001430.5 (MANE Select); coding-DNA position 683, C replaced by G.
Protein change: p.Pro228Arg; replaces proline 228 with arginine.
Molecular consequence: missense variant.
Genome position (GRCh38, 1-based): chr2:46,360,994, C>G. VCF-style: chr2-46360994-C-G. GRCh37 (hg19) VCF-style: chr2-46588133-C-G.
Other names: short protein forms P228R.
Identifiers: ClinVar variation 2450324 (VCV002450324.2), dbSNP rs755351468, ClinGen allele CA346700134.

ClinVar aggregate classification (germline): Uncertain significance (1 of 4 stars; one submission).

Conditions:
Inborn genetic diseases. Identifiers: MedGen C0950123, MeSH D030342.

Submission:

Ambry Genetics
Classification: Uncertain significance for Inborn genetic diseases. Last evaluated: 2023-02-10. Review status: criteria provided, single submitter. Criteria: Ambry Variant Classification Scheme 2023. Collection method: clinical testing. Allele origin: germline.
Comment: The p.P228R variant (also known as c.683C>G), located in coding exon 6 of the EPAS1 gene, results from a C to G substitution at nucleotide position 683. The proline at codon 228 is replaced by arginine, an amino acid with dissimilar properties. This amino acid position is conserved. In addition, the in silico prediction for this alteration is inconclusive. Since supporting evidence is limited at this time, the clinical significance of this alteration remains unclear.